The following is an entry in ClinVar:

NM_021098.3(CACNA1H):c.1837_1844del (p.Tyr613fs)

Gene: CACNA1H (calcium voltage-gated channel subunit alpha1 H; plus strand). Cytogenetic location: 16p13.3.
Variant type: Deletion.
Coding change: c.1837_1844del on transcript NM_021098.3 (MANE Select); coding-DNA positions 1837 to 1844, 8 bases deleted (TACCCCAC; older notation c.1837_1844delTACCCCAC).
Protein change: p.Tyr613fs; shifts the reading frame from tyrosine 613.
Molecular consequence: frameshift variant.
Genome position (GRCh38, 1-based): chr16:1,202,287-1,202,294, TACCCCAC deleted; deleting any 8 consecutive bases within chr16:1,202,285-1,202,294 gives the same sequence; the c. name uses the placement nearest the transcript's 3' end. VCF-style (leftmost placement, unchanged base first): chr16-1202284-AACTACCCC-A. GRCh37 (hg19) VCF-style: chr16-1252284-AACTACCCC-A.
Other names: c.1837_1844del, p.Tyr613fs (NM_001005407.2); short protein forms Y613fs.
Identifiers: ClinVar variation 1055793 (VCV001055793.7), dbSNP rs2141261620, ClinGen allele CA2499223206.

ClinVar aggregate classification (germline): Uncertain significance (1 of 4 stars; one submission).

Conditions:
Hyperaldosteronism, familial, type IV (HALD4). Also called: FH IV; ALDOSTERONISM, PRIMARY, AND HYPERTENSION. Identifiers: Orphanet 642671, MedGen C4310756, MONDO:0014875, OMIM 617027.
Idiopathic generalized epilepsy. Also called: Generalised epilepsy; EIG. Identifiers: MedGen C0270850, MONDO:0005579, OMIM 600669.

Submission:

Labcorp Genetics (formerly Invitae), Labcorp
Classification: Uncertain significance for Idiopathic generalized epilepsy; Hyperaldosteronism, familial, type IV. Last evaluated: 2023-11-01. Review status: criteria provided, single submitter. Criteria: Invitae Variant Classification Sherloc (09022015). Collection method: clinical testing. Allele origin: germline.
Comment: This sequence change creates a premature translational stop signal (p.Tyr613Aspfs*40) in the CACNA1H gene. It is expected to result in an absent or disrupted protein product. However, the current clinical and genetic evidence is not sufficient to establish whether loss-of-function variants in CACNA1H cause disease. This variant is not present in population databases (gnomAD no frequency). This variant has not been reported in the literature in individuals affected with CACNA1H-related conditions. ClinVar contains an entry for this variant (Variation ID: 1055793). In summary, the available evidence is currently insufficient to determine the role of this variant in disease. Therefore, it has been classified as a Variant of Uncertain Significance.